The following is an entry in ClinVar:

NM_000554.6(CRX):c.*682C>T

Gene: CRX (cone-rod homeobox; plus strand). Cytogenetic location: 19q13.33.
Variant type: single nucleotide variant.
Coding change: c.*682C>T on transcript NM_000554.6 (MANE Select); 682 bases downstream of the stop codon, C replaced by T.
Molecular consequence: 3 prime UTR variant.
Genome position (GRCh38, 1-based): chr19:47,840,649, C>T. VCF-style: chr19-47840649-C-T. GRCh37 (hg19) VCF-style: chr19-48343906-C-T.
Identifiers: ClinVar variation 329717 (VCV000329717.6), dbSNP rs3859431, ClinGen allele CA10652157.
Genomic context (GRCh38, chr19:47,840,649, plus strand): 5'-GAGACGGGGTTTCACCGTGTTAGCCAGGATGGTCTCGATCTCCTGACCTCGTGATCCGCC[C>T]GCCTCGGCCTCCCAAAGTGCTAGGATTACAGGCGTGAGCCACCGCGCCCGGCCCTTTTTT-3'

ClinVar aggregate classification (germline): Benign. Review status: criteria provided, multiple submitters, no conflicts (2 of 4 stars). 4 submissions from 2 submitters: Benign (4). Last evaluated 2018-01-13.

Conditions:
Retinitis pigmentosa (RP). Identifiers: Orphanet 791, MedGen C0035334, MeSH D012174, MONDO:0019200, OMIM 268000. Inheritance: Autosomal dominant, autosomal recessive and X linked inheritance.
Leber congenital amaurosis 7 (LCA7). Identifiers: Orphanet 65, MedGen C3151192, MONDO:0013449, OMIM 613829.
Cone-rod dystrophy 2 (CORD2). Also called: CONE-ROD RETINAL DYSTROPHY; Cone-rod retinal dystrophy 2. Identifiers: Orphanet 1872, MedGen C3489532, MONDO:0007362, OMIM 120970.

Allele frequency attached by ClinVar (database versions not stated): 1000 Genomes Project 0.24301; 1000 Genomes Project 30x 0.24688; TOPMed 0.31565; gnomAD 0.31642 and 0.31819.

Submissions (4):

Illumina Laboratory Services, Illumina
Classification: Benign for Cone-rod dystrophy 2. Last evaluated: 2018-01-13. Review status: criteria provided, single submitter. Criteria: ICSL Variant Classification Criteria 13 December 2019. Collection method: clinical testing. Allele origin: germline.
Comment: This variant was observed in the ICSL laboratory as part of a predisposition screen in an ostensibly healthy population. It had not been previously curated by ICSL or reported in the Human Gene Mutation Database (HGMD: prior to June 1st, 2018), and was therefore a candidate for classification through an automated scoring system. Utilizing variant allele frequency, disease prevalence and penetrance estimates, and inheritance mode, an automated score was calculated to assess if this variant is too frequent to cause the disease. Based on the score and internal cut-off values, a variant classified as benign is not then subjected to further curation. The score for this variant resulted in a classification of benign for this disease.

Illumina Laboratory Services, Illumina
Classification: Benign for Leber congenital amaurosis 7. Last evaluated: 2018-01-13. Review status: criteria provided, single submitter. Criteria: ICSL Variant Classification Criteria 13 December 2019. Collection method: clinical testing. Allele origin: germline.
Comment: the same text as in the submission from Illumina Laboratory Services, Illumina above.

Illumina Laboratory Services, Illumina
Classification: Benign for Retinitis pigmentosa. Last evaluated: 2018-01-13. Review status: criteria provided, single submitter. Criteria: ICSL Variant Classification Criteria 13 December 2019. Collection method: clinical testing. Allele origin: germline.
Comment: the same text as in the submission from Illumina Laboratory Services, Illumina above.

Breakthrough Genomics
Classification: Benign. Review status: criteria provided, single submitter. Criteria: ACMG Guidelines, 2015. Collection method: not provided. Allele origin: germline. Inheritance: Autosomal dominant inheritance. Affected: yes.